The following is an entry in ClinVar:

ClinVar aggregate classification (germline): Uncertain significance. Review status: criteria provided, multiple submitters, no conflicts (2 of 4 stars). 3 submissions from 3 submitters: Uncertain significance (3). Last evaluated 2025-07-17.

Conditions:
Inborn genetic diseases. Identifiers: MedGen C0950123, MeSH D030342.

Allele frequency attached by ClinVar (database versions not stated): gnomAD 0.00001; TOPMed 0.00002; gnomAD exomes 0.00003 and 0.00007; ExAC 0.00005; 1000 Genomes Project 30x 0.00016; 1000 Genomes Project 0.00020.
gnomAD v4.1: 53 of 1,537,328 alleles (0.0034%); highest among the groups gnomAD compares: South Asian, 0.046%; 1 homozygote.

Submissions (3):

Women's Health and Genetics/Laboratory Corporation of America, LabCorp
Classification: Uncertain significance. Last evaluated: 2025-07-17. Review status: criteria provided, single submitter. Criteria: LabCorp Variant Classification Summary - May 2015. Collection method: clinical testing. Allele origin: germline.
Comment: Variant summary: PIEZO2 c.359T>C (p.Ile120Thr) results in a non-conservative amino acid change in the encoded protein sequence. Algorithms developed to predict the effect of missense changes on protein structure and function are either unavailable or do not agree on the potential impact of this missense change. The variant allele was found at a frequency of 6.9e-05 in 145196 control chromosomes. This frequency is not significantly higher than estimated for a pathogenic variant in PIEZO2 causing Arthrogryposis, distal, with impaired proprioception and touch, allowing no conclusion about variant significance. To our knowledge, no occurrence of c.359T>C in individuals affected with Arthrogryposis, distal, with impaired proprioception and touch and no experimental evidence demonstrating its impact on protein function have been reported. ClinVar contains an entry for this variant (Variation ID: 1371053). Based on the evidence outlined above, the variant was classified as uncertain significance.

Ambry Genetics
Classification: Uncertain significance for Inborn genetic diseases. Last evaluated: 2022-09-06. Review status: criteria provided, single submitter. Criteria: Ambry Variant Classification Scheme 2023. Collection method: clinical testing. Allele origin: germline.

Labcorp Genetics (formerly Invitae), Labcorp
Classification: Uncertain significance. Last evaluated: 2022-08-15. Review status: criteria provided, single submitter. Criteria: Invitae Variant Classification Sherloc (09022015). Collection method: clinical testing. Allele origin: germline.
Comment: In summary, the available evidence is currently insufficient to determine the role of this variant in disease. Therefore, it has been classified as a Variant of Uncertain Significance. Algorithms developed to predict the effect of missense changes on protein structure and function are either unavailable or do not agree on the potential impact of this missense change (SIFT: "Tolerated"; PolyPhen-2: "Probably Damaging"; Align-GVGD: "Class C0"). ClinVar contains an entry for this variant (Variation ID: 1371053). This variant has not been reported in the literature in individuals affected with PIEZO2-related conditions. This variant is present in population databases (rs553064623, gnomAD 0.04%). This sequence change replaces isoleucine, which is neutral and non-polar, with threonine, which is neutral and polar, at codon 120 of the PIEZO2 protein (p.Ile120Thr).

NM_001378183.1(PIEZO2):c.359T>C (p.Ile120Thr)

Gene: PIEZO2 (piezo type mechanosensitive ion channel component 2; minus strand). Cytogenetic location: 18p11.22.
Variant type: single nucleotide variant.
Coding change: c.359T>C on transcript NM_001378183.1 (MANE Select); coding-DNA position 359, T replaced by C.
Protein change: p.Ile120Thr; replaces isoleucine 120 with threonine.
Molecular consequence: missense variant.
Genome position (GRCh38, 1-based): chr18:10,871,386, A>G on the plus strand (T>C on the coding strand, the complement: PIEZO2 is on the minus strand). VCF-style: chr18-10871386-A-G. GRCh37 (hg19) VCF-style: chr18-10871384-A-G.
Other names: c.359T>C (NM_022068.2); c.359T>C, p.Ile120Thr (NM_022068.4); short protein forms I120T.
Identifiers: ClinVar variation 1371053 (VCV001371053.8), dbSNP rs553064623, ClinGen allele CA8892849.